The following is an entry in ClinVar:

NM_015378.4(VPS13D):c.4117_4118del (p.Val1373fs)

Gene: VPS13D (vacuolar protein sorting 13 homolog D; plus strand). Cytogenetic location: 1p36.22.
Variant type: Deletion.
Coding change: c.4117_4118del on transcript NM_015378.4 (MANE Select); coding-DNA positions 4117 to 4118, 2 bases deleted (GT; older notation c.4117_4118delGT).
Protein change: p.Val1373fs; shifts the reading frame from valine 1373.
Molecular consequence: frameshift variant.
Genome position (GRCh38, 1-based): chr1:12,277,705-12,277,706, GT deleted; deleting any 2 consecutive bases within chr1:12,277,704-12,277,706 gives the same sequence; the c. name uses the placement nearest the transcript's 3' end. VCF-style (leftmost placement, unchanged base first): chr1-12277703-CTG-C. GRCh37 (hg19) VCF-style: chr1-12337760-CTG-C.
Other names: c.4117_4118del, p.Val1373fs (NM_018156.4); short protein forms V1373fs.
Identifiers: ClinVar variation 1966717 (VCV001966717.5), dbSNP rs1641657166, ClinGen allele CA998664535.
Genomic context (GRCh38, chr1:12,277,703, plus strand): 5'-CCTTTATCTTAGAGGAAAATGAAATATATGGGTTTGACCTAGCTTCGTCTCATTTGGACA[CTG>C]TAAAGCTAATCTTGAACATAAACATTGAATCACCAGTTGTTTCTATCCCTCGGAAGCCGG-3'

ClinVar aggregate classification (germline): Pathogenic (1 of 4 stars; one submission).

Submission:

Labcorp Genetics (formerly Invitae), Labcorp
Classification: Pathogenic. Last evaluated: 2022-10-26. Review status: criteria provided, single submitter. Criteria: Invitae Variant Classification Sherloc (09022015). Collection method: clinical testing. Allele origin: germline.
Comment: This sequence change creates a premature translational stop signal (p.Val1373Lysfs*9) in the VPS13D gene. It is expected to result in an absent or disrupted protein product. Loss-of-function variants in VPS13D are known to be pathogenic (PMID: 29518281). This variant is not present in population databases (gnomAD no frequency). This variant has not been reported in the literature in individuals affected with VPS13D-related conditions. For these reasons, this variant has been classified as Pathogenic.

Literature cited by the submitters: PubMed 29518281.